The following is an entry in ClinVar:

ClinVar aggregate classification (germline): Uncertain significance. Review status: criteria provided, multiple submitters, no conflicts (2 of 4 stars). 2 submissions from 2 submitters: Uncertain significance (2). Last evaluated 2025-05-20.

Conditions:
Bardet-Biedl syndrome 2 (BBS2). Identifiers: Orphanet 110, MedGen C2936863, MONDO:0014432, OMIM 615981.
Retinitis pigmentosa 74 (RP74). Identifiers: Orphanet 791, MedGen C4225281, MONDO:0014692, OMIM 616562.
BBS2-related disorder. Also called: BBS2-related disorders; BBS2-related condition. Identifiers: MedGen CN239228.

Submissions (2):

PreventionGenetics, part of Exact Sciences
Classification: Uncertain significance for BBS2-related condition. Last evaluated: 2025-05-20. Review status: criteria provided, single submitter. Criteria: ACMG Guidelines, 2015. Collection method: clinical testing. Allele origin: germline.
Comment: The BBS2 c.1217C>A variant is predicted to result in the amino acid substitution p.Thr406Asn. To our knowledge, this variant has not been reported in the literature or in a large population database (gnomAD), indicating this variant is rare. At this time, the clinical significance of this variant is uncertain due to the absence of conclusive functional and genetic evidence.

Fulgent Genetics
Classification: Uncertain significance for Bardet-Biedl syndrome 2; Retinitis pigmentosa 74. Last evaluated: 2024-05-09. Review status: criteria provided, single submitter. Criteria: ACMG Guidelines, 2015. Collection method: clinical testing. Allele origin: germline.

NM_031885.5(BBS2):c.1217C>A (p.Thr406Asn)

Gene: BBS2 (Bardet-Biedl syndrome 2; minus strand). Cytogenetic location: 16q13.
Variant type: single nucleotide variant.
Coding change: c.1217C>A on transcript NM_031885.5 (MANE Select); coding-DNA position 1217, C replaced by A.
Protein change: p.Thr406Asn; replaces threonine 406 with asparagine.
Molecular consequence: missense variant. On other transcripts: non-coding transcript variant (5).
Genome position (GRCh38, 1-based): chr16:56,501,361, G>T on the plus strand (C>A on the coding strand, the complement: BBS2 is on the minus strand). VCF-style: chr16-56501361-G-T. GRCh37 (hg19) VCF-style: chr16-56535273-G-T.
Other names: c.1217C>A, p.Thr406Asn (NM_001377456.1); c.1217C>A (NM_031885.3); short protein forms T406N.
Identifiers: ClinVar variation 3580912 (VCV003580912.2).
Genomic context (GRCh38, chr16:56,501,361, plus strand): 5'-ACTCCAAGATGGCACAGGTGCCTCTAAATACCAGCTGTGAGTACTGTCTTACCATTAGAA[G>T]TGGAAATGCGTAATTCTGTATGAGCAGTTTGGGTCTCATTCCCCAGGCTGACTGAGAGCG-3'
Protein context (NP_114091.4, residues 396-416): QTAHTELRIS[Thr406Asn]SNDTIIRAVL